The following is an entry in ClinVar:

NM_001039591.3(USP9X):c.2996A>G (p.Asn999Ser)

Gene: USP9X (ubiquitin specific peptidase 9 X-linked; plus strand). Cytogenetic location: Xp11.4.
Variant type: single nucleotide variant.
Coding change: c.2996A>G on transcript NM_001039591.3 (MANE Select); coding-DNA position 2996, A replaced by G.
Protein change: p.Asn999Ser; replaces asparagine 999 with serine.
Molecular consequence: missense variant.
Genome position (GRCh38, 1-based): chrX:41,170,588, A>G. VCF-style: chrX-41170588-A-G. GRCh37 (hg19) VCF-style: chrX-41029841-A-G.
Other names: c.2996A>G, p.Asn999Ser (NM_001039590.3); short protein forms N999S.
Identifiers: ClinVar variation 1239101 (VCV001239101.14), dbSNP rs200361970, ClinGen allele CA10388619.

ClinVar aggregate classification (germline): Benign/Likely benign. Review status: criteria provided, multiple submitters, no conflicts (2 of 4 stars). 4 submissions from 4 submitters: Benign (2); Likely benign (1). 1 of the submissions does not count toward it. Last evaluated 2025-02-19.

Conditions:
USP9X-related disorder. Also called: USP9X-related condition.
Inborn genetic diseases. Identifiers: MedGen C0950123, MeSH D030342.

Allele frequency attached by ClinVar (database versions not stated): ExAC 0.00003; gnomAD exomes 0.00005 and 0.00018; 1000 Genomes Project 30x 0.00021; 1000 Genomes Project 0.00026; gnomAD 0.00036 and 0.00037; TOPMed 0.00054.
gnomAD v4.1: 95 of 1,209,470 alleles (0.0079%); highest among the groups gnomAD compares: Admixed American, 0.14%; no homozygotes.

Submissions (4):

Labcorp Genetics (formerly Invitae), Labcorp
Classification: Benign. Last evaluated: 2025-02-19. Review status: criteria provided, single submitter. Criteria: Invitae Variant Classification Sherloc (09022015). Collection method: clinical testing. Allele origin: germline.

Ambry Genetics
Classification: Likely benign for Inborn genetic diseases. Last evaluated: 2023-05-17. Review status: criteria provided, single submitter. Criteria: Ambry Variant Classification Scheme 2023. Collection method: clinical testing. Allele origin: germline.

GeneDx
Classification: Benign. Last evaluated: 2021-01-11. Review status: criteria provided, single submitter. Criteria: GeneDx Variant Classification Process June 2021. Collection method: clinical testing. Allele origin: germline. Affected: yes.

PreventionGenetics, part of Exact Sciences
Classification: Likely benign for USP9X-related condition. Last evaluated: 2024-02-16. Review status: no assertion criteria provided. Collection method: clinical testing. Allele origin: germline. Not counted in ClinVar's aggregate classification.
Comment: This variant is classified as likely benign based on ACMG/AMP sequence variant interpretation guidelines (Richards et al. 2015 PMID: 25741868, with internal and published modifications).